The following is an entry in ClinVar:

NM_000135.4(FANCA):c.3919C>A (p.Gln1307Lys)

Genes: FANCA (FA complementation group A; minus strand), ZNF276 (zinc finger protein 276; plus strand). Cytogenetic location: 16q24.3.
Variant type: single nucleotide variant.
Coding change: c.3919C>A on transcript NM_000135.4 (MANE Select); coding-DNA position 3919, C replaced by A.
Protein change: p.Gln1307Lys; replaces glutamine 1307 with lysine.
Molecular consequence: missense variant. On other transcripts: 3 prime UTR variant (2), non-coding transcript variant (4).
Genome position (GRCh38, 1-based): chr16:89,740,009, G>T on the plus strand (C>A on the coding strand, the complement: FANCA is on the minus strand). VCF-style: chr16-89740009-G-T. GRCh37 (hg19) VCF-style: chr16-89806417-G-T.
Other names: c.3919C>A, p.Gln1307Lys (NM_001286167.3); c.*1763G>T (NM_001113525.2, NM_152287.4); short protein forms Q1307K.
Identifiers: ClinVar variation 3512724 (VCV003512724.1).

ClinVar aggregate classification (germline): Uncertain significance (1 of 4 stars; one submission).

Conditions:
Inborn genetic diseases. Identifiers: MedGen C0950123, MeSH D030342.

gnomAD v4.1: 3 of 1,614,200 alleles (0.00019%); highest among the groups gnomAD compares: Non-Finnish European, 0.00025%; no homozygotes.

Submission:

Ambry Genetics
Classification: Uncertain significance for Inborn genetic diseases. Last evaluated: 2024-12-08. Review status: criteria provided, single submitter. Criteria: Ambry Variant Classification Scheme 2023. Collection method: clinical testing. Allele origin: germline.
Comment: The p.Q1307K variant (also known as c.3919C>A), located in coding exon 39 of the FANCA gene, results from a C to A substitution at nucleotide position 3919. The glutamine at codon 1307 is replaced by lysine, an amino acid with similar properties. This amino acid position is conserved. In addition, the in silico prediction for this alteration is inconclusive. Based on the available evidence, the clinical significance of this variant remains unclear.